The following is an entry in ClinVar:

NM_004656.4(BAP1):c.659+1G>A

Gene: BAP1 (BRCA1 associated deubiquitinase 1; minus strand). Cytogenetic location: 3p21.1.
Variant type: single nucleotide variant.
Coding change: c.659+1G>A on transcript NM_004656.4 (MANE Select); the canonical splice donor site of the intron after coding-DNA position 659, G replaced by A.
Molecular consequence: splice donor variant.
Genome position (GRCh38, 1-based): chr3:52,406,828, C>T on the plus strand (G>A on the coding strand, the complement: BAP1 is on the minus strand). VCF-style: chr3-52406828-C-T. GRCh37 (hg19) VCF-style: chr3-52440844-C-T.
Other names: c.659+1G>A (NM_001410772.1).
Identifiers: ClinVar variation 4716737 (VCV004716737.1).

ClinVar aggregate classification (germline): Pathogenic (1 of 4 stars; one submission).

Conditions:
BAP1-related tumor predisposition syndrome (TPDS1). Also called: Tumor susceptibility linked to germline BAP1 mutations; COMMON Syndrome; TUMOR PREDISPOSITION SYNDROME 1; BAP1 tumor predisposition syndrome. Identifiers: Orphanet 289539, MedGen C3280492, MONDO:0013692, OMIM 614327.

Submission:

Labcorp Genetics (formerly Invitae), Labcorp
Classification: Pathogenic for BAP1-related tumor predisposition syndrome. Last evaluated: 2025-08-24. Review status: criteria provided, single submitter. Criteria: Invitae Variant Classification Sherloc (09022015). Collection method: clinical testing. Allele origin: germline.
Comment: This sequence change affects a donor splice site in intron 8 of the BAP1 gene. RNA analysis indicates that disruption of this splice site induces altered splicing and may result in an absent or altered protein product. This variant is not present in population databases (gnomAD no frequency). Disruption of this splice site has been observed in individuals with clinical features consistent with BAP1-related cancer risk (PMID: 30975761; internal data). Studies have shown that disruption of this splice site results in activation of a cryptic splice site, and produces a non-functional protein and/or introduces a premature termination codon (internal data). For these reasons, this variant has been classified as Pathogenic.

Literature cited by the submitters: PubMed 30975761.